The following is an entry in ClinVar:

NM_000051.4(ATM):c.8504G>C (p.Cys2835Ser)

Genes: ATM (ATM serine/threonine kinase; plus strand), C11orf65 (chromosome 11 open reading frame 65; minus strand). Cytogenetic location: 11q22.3.
Variant type: single nucleotide variant.
Coding change: c.8504G>C on transcript NM_000051.4 (MANE Select); coding-DNA position 8504, G replaced by C.
Protein change: p.Cys2835Ser; replaces cysteine 2835 with serine.
Molecular consequence: missense variant. On other transcripts: intron variant (2).
Genome position (GRCh38, 1-based): chr11:108,345,828, G>C. VCF-style: chr11-108345828-G-C. GRCh37 (hg19) VCF-style: chr11-108216555-G-C.
Other names: c.8504G>C, p.Cys2835Ser (NM_001351834.2); c.641-36757C>G (NM_001330368.2); c.695-10536C>G (NM_001351110.2); short protein forms C2835S.
Identifiers: ClinVar variation 1763663 (VCV001763663.2), dbSNP rs759655842, ClinGen allele CA382518183.

ClinVar aggregate classification (germline): Uncertain significance (1 of 4 stars; one submission).

Conditions:
Hereditary cancer-predisposing syndrome. Also called: Hereditary neoplastic syndrome; Neoplastic Syndromes, Hereditary; Tumor predisposition; Hereditary Cancer Syndrome. Identifiers: Orphanet 140162, MedGen C0027672, MeSH D009386, MONDO:0015356.

Submission:

Ambry Genetics
Classification: Uncertain significance for Hereditary cancer-predisposing syndrome. Last evaluated: 2022-08-13. Review status: criteria provided, single submitter. Criteria: Ambry Variant Classification Scheme 2023. Collection method: clinical testing. Allele origin: germline.
Comment: The p.C2835S variant (also known as c.8504G>C), located in coding exon 57 of the ATM gene, results from a G to C substitution at nucleotide position 8504. The cysteine at codon 2835 is replaced by serine, an amino acid with dissimilar properties. This amino acid position is conserved. In addition, this alteration is predicted to be deleterious by in silico analysis. Since supporting evidence is limited at this time, the clinical significance of this alteration remains unclear.